The following is an entry in ClinVar:

NM_000051.4(ATM):c.6655T>C (p.Phe2219Leu)

Genes: ATM (ATM serine/threonine kinase; plus strand), C11orf65 (chromosome 11 open reading frame 65; minus strand). Cytogenetic location: 11q22.3.
Variant type: single nucleotide variant.
Coding change: c.6655T>C on transcript NM_000051.4 (MANE Select); coding-DNA position 6655, T replaced by C.
Protein change: p.Phe2219Leu; replaces phenylalanine 2219 with leucine.
Molecular consequence: missense variant. On other transcripts: intron variant (2).
Genome position (GRCh38, 1-based): chr11:108,325,392, T>C. VCF-style: chr11-108325392-T-C. GRCh37 (hg19) VCF-style: chr11-108196119-T-C.
Other names: c.6655T>C, p.Phe2219Leu (NM_001351834.2); c.641-16321A>G (NM_001330368.2); c.*38+9828A>G (NM_001351110.2); short protein forms F2219L.
Identifiers: ClinVar variation 2119070 (VCV002119070.5), dbSNP rs2136310909, ClinGen allele CA382554829.

ClinVar aggregate classification (germline): Uncertain significance. Review status: criteria provided, multiple submitters, no conflicts (2 of 4 stars). 2 submissions from 2 submitters: Uncertain significance (2). Last evaluated 2023-08-28.

Conditions:
Hereditary cancer-predisposing syndrome. Also called: Tumor predisposition; Hereditary Cancer Syndrome; Hereditary neoplastic syndrome; Neoplastic Syndromes, Hereditary. Identifiers: Orphanet 140162, MedGen C0027672, MeSH D009386, MONDO:0015356.
Ataxia-telangiectasia syndrome (AT). Also called: ATAXIA-TELANGIECTASIA, COMPLEMENTATION GROUP A; ATAXIA-TELANGIECTASIA, FRESNO VARIANT; Ataxia-telangiectasia; Ataxia-telangiectasia, complementation group E; LOUIS-BAR SYNDROME; Cerebello-oculocutaneous telangiectasia. Identifiers: Orphanet 100, MedGen C0004135, MONDO:0008840, OMIM 208900.

Submissions (2):

Color Diagnostics, LLC DBA Color Health
Classification: Uncertain significance for Hereditary cancer-predisposing syndrome. Last evaluated: 2023-08-28. Review status: criteria provided, single submitter. Criteria: ACMG Guidelines, 2015. Collection method: clinical testing. Allele origin: germline.
Comment: This missense variant replaces leucine with phenylalanine at codon 2219 of the ATM protein. Computational prediction suggests that this variant may not impact protein structure and function (internally defined REVEL score threshold <= 0.5, PMID: 27666373). To our knowledge, functional studies have not been reported for this variant. This variant has not been reported in individuals affected with ATM-related disorders in the literature. This variant has not been identified in the general population by the Genome Aggregation Database (gnomAD). The available evidence is insufficient to determine the role of this variant in disease conclusively. Therefore, this variant is classified as a Variant of Uncertain Significance.

Labcorp Genetics (formerly Invitae), Labcorp
Classification: Uncertain significance for Ataxia-telangiectasia syndrome. Last evaluated: 2022-03-28. Review status: criteria provided, single submitter. Criteria: Invitae Variant Classification Sherloc (09022015). Collection method: clinical testing. Allele origin: germline.
Comment: In summary, the available evidence is currently insufficient to determine the role of this variant in disease. Therefore, it has been classified as a Variant of Uncertain Significance. Algorithms developed to predict the effect of sequence changes on RNA splicing suggest that this variant may disrupt the consensus splice site. Advanced modeling of protein sequence and biophysical properties (such as structural, functional, and spatial information, amino acid conservation, physicochemical variation, residue mobility, and thermodynamic stability) performed at Invitae indicates that this missense variant is not expected to disrupt ATM protein function. This variant has not been reported in the literature in individuals affected with ATM-related conditions. This variant is not present in population databases (gnomAD no frequency). This sequence change replaces phenylalanine, which is neutral and non-polar, with leucine, which is neutral and non-polar, at codon 2219 of the ATM protein (p.Phe2219Leu).